The following is an entry in ClinVar:

NM_032520.5(GNPTG):c.318-1G>A

Gene: GNPTG (N-acetylglucosamine-1-phosphate transferase subunit gamma; plus strand). Cytogenetic location: 16p13.3.
Variant type: single nucleotide variant.
Coding change: c.318-1G>A on transcript NM_032520.5 (MANE Select); the canonical splice acceptor site of the intron before coding-DNA position 318, G replaced by A.
Molecular consequence: splice acceptor variant.
Genome position (GRCh38, 1-based): chr16:1,362,037, G>A. VCF-style: chr16-1362037-G-A. GRCh37 (hg19) VCF-style: chr16-1412038-G-A.
Identifiers: ClinVar variation 453175 (VCV000453175.17), dbSNP rs193302847, ClinGen allele CA394187149.

ClinVar aggregate classification (germline): Pathogenic. Review status: criteria provided, multiple submitters, no conflicts (2 of 4 stars). 5 submissions from 5 submitters: Pathogenic (4). 1 of the submissions does not count toward it. Last evaluated 2024-04-30.

Conditions:
GNPTG-mucolipidosis. Also called: ML III GAMMA; ML IIIC; MUCOLIPIDOSIS III, COMPLEMENTATION GROUP C; MUCOLIPIDOSIS III, IRANIAN VARIANT FORM; MUCOLIPIDOSIS III, VARIANT FORM; Mucolipidosis type III gamma. Identifiers: Orphanet 423470, Orphanet 577, MedGen C1854896, MONDO:0009652, OMIM 252605.

gnomAD v4.1: 2 of 1,612,820 alleles (0.00012%); highest among the groups gnomAD compares: South Asian, 0.0022%; no homozygotes.

Submissions (5):

Natera, Inc.
Classification: Pathogenic for Mucolipidosis III gamma. Last evaluated: 2024-04-30. Review status: criteria provided, single submitter. Criteria: Natera Variant Classification Schema (03/2026). Collection method: clinical testing. Allele origin: germline.
Comment: The c.318-1G>A variant in GNPTG is a canonical splice acceptor site variant predicted to affect pre-mRNA splicing, which may result in an abnormal transcript and altered protein product. This variant is expected to result in nonsense mediated decay, truncation, or a dysfunctional protein product. This variant is rare in the general population with a frequency below the threshold expected for the associated phenotype(s). Another variant at this same site results in an alteration predicted to cause a similar molecular effect has been observed in individual(s) with the associated phenotype. Given the available evidence, this variant is classified as Pathogenic.

Labcorp Genetics (formerly Invitae), Labcorp
Classification: Pathogenic. Last evaluated: 2022-11-29. Review status: criteria provided, single submitter. Criteria: Invitae Variant Classification Sherloc (09022015). Collection method: clinical testing. Allele origin: germline.
Comment: For these reasons, this variant has been classified as Pathogenic. Algorithms developed to predict the effect of sequence changes on RNA splicing suggest that this variant may disrupt the consensus splice site. This variant is not present in population databases (gnomAD no frequency). This sequence change affects an acceptor splice site in intron 5 of the GNPTG gene. It is expected to disrupt RNA splicing. Variants that disrupt the donor or acceptor splice site typically lead to a loss of protein function (PMID: 16199547), and loss-of-function variants in GNPTG are known to be pathogenic (PMID: 19370764, 20301784). ClinVar contains an entry for this variant (Variation ID: 453175). Disruption of this splice site has been observed in individuals with mucolipidosis type III (PMID: 15060128, 29704188).

Genome-Nilou Lab
Classification: Pathogenic for GNPTG-mucolipidosis. Last evaluated: 2021-11-07. Review status: criteria provided, single submitter. Criteria: ACMG Guidelines, 2015. Collection method: clinical testing. Allele origin: germline. Affected: no.

GeneDx
Classification: Pathogenic. Last evaluated: 2017-11-03. Review status: criteria provided, single submitter. Criteria: GeneDx Variant Classification (06012015). Collection method: clinical testing. Allele origin: germline. Affected: yes.
Comment: The c.318-1G>A variant in the GNPTG gene has not been reported previously as a pathogenic variant nor as a benign variant, to our knowledge. This splice site variant destroys the canonical splice acceptor site in intron 5. It is predicted to cause abnormal gene splicing, either leading to an abnormal message that is subject to nonsense-mediated mRNA decay, or to an abnormal protein product if the message is used for protein translation. The c.318-1G>A variant is not observed in large population cohorts (Lek et al., 2016). We interpret c.318-1G>A as a pathogenic variant.

Counsyl
Classification: Likely pathogenic for GNPTG-mucolipidosis. Last evaluated: 2017-06-09. Review status: no assertion criteria provided. Collection method: clinical testing. Allele origin: unknown. Not counted in ClinVar's aggregate classification.

Literature cited by the submitters: PubMed 16199547 (cited by Labcorp Genetics (formerly Invitae), Labcorp); PubMed 19370764 (cited by Labcorp Genetics (formerly Invitae), Labcorp); PubMed 20301784 (cited by Labcorp Genetics (formerly Invitae), Labcorp); PubMed 15060128 (cited by Labcorp Genetics (formerly Invitae), Labcorp); PubMed 29704188 (cited by Labcorp Genetics (formerly Invitae), Labcorp).